The following is an entry in ClinVar:

ClinVar aggregate classification (germline): Uncertain significance (1 of 4 stars; one submission).

Conditions:
Neuropathy, hereditary sensory, type 2C. Also called: KIF1A-Related HSAN2 (HSAN2C); Hereditary sensory and autonomic neuropathy type IIC. Identifiers: Orphanet 970, MedGen C3280168, MONDO:0013634, OMIM 614213.
Hereditary spastic paraplegia 30. Identifiers: Orphanet 101010, MedGen C5235139, MONDO:0012476.
Intellectual disability, autosomal dominant 9 (NESCAVS). Also called: NESCAV SYNDROME; KIF1A-Related Neurodevelopmental Disorder. Identifiers: Orphanet 662367, MedGen C5393830, MONDO:0013656, OMIM 614255.

Submission:

Labcorp Genetics (formerly Invitae), Labcorp
Classification: Uncertain significance for Hereditary spastic paraplegia 30; Neuropathy, hereditary sensory, type 2C; Intellectual disability, autosomal dominant 9. Last evaluated: 2024-01-02. Review status: criteria provided, single submitter. Criteria: Invitae Variant Classification Sherloc (09022015). Collection method: clinical testing. Allele origin: germline.
Comment: This sequence change replaces valine, which is neutral and non-polar, with leucine, which is neutral and non-polar, at codon 241 of the KIF1A protein (p.Val241Leu). This variant is not present in population databases (gnomAD no frequency). This variant has not been reported in the literature in individuals affected with KIF1A-related conditions. An algorithm developed to predict the effect of missense changes on protein structure and function (PolyPhen-2) suggests that this variant is likely to be disruptive. In summary, the available evidence is currently insufficient to determine the role of this variant in disease. Therefore, it has been classified as a Variant of Uncertain Significance.

NM_001244008.2(KIF1A):c.721G>T (p.Val241Leu)

Gene: KIF1A (kinesin family member 1A; minus strand). Cytogenetic location: 2q37.3.
Variant type: single nucleotide variant.
Coding change: c.721G>T on transcript NM_001244008.2 (MANE Select); coding-DNA position 721, G replaced by T.
Protein change: p.Val241Leu; replaces valine 241 with leucine.
Molecular consequence: missense variant.
Genome position (GRCh38, 1-based): chr2:240,783,816, C>A on the plus strand (G>T on the coding strand, the complement: KIF1A is on the minus strand). VCF-style: chr2-240783816-C-A. GRCh37 (hg19) VCF-style: chr2-241723233-C-A.
Other names: c.721G>T, p.Val241Leu (NM_001320705.2, NM_001330289.2, NM_001330290.2 and 21 more transcripts); short protein forms V241L.
Identifiers: ClinVar variation 2936270 (VCV002936270.3), dbSNP rs1020913034, ClinGen allele CA351303436.